The following is an entry in ClinVar:

ClinVar aggregate classification (germline): Uncertain significance (1 of 4 stars; one submission).

Submission:

GeneDx
Classification: Uncertain significance. Last evaluated: 2024-03-04. Review status: criteria provided, single submitter. Criteria: GeneDx Variant Classification Process June 2021. Collection method: clinical testing. Allele origin: germline. Affected: yes.
Comment: Not observed at significant frequency in large population cohorts (gnomAD); In silico analysis supports that this missense variant has a deleterious effect on protein structure/function; Has not been previously published as pathogenic or benign to our knowledge.

NM_003998.4(NFKB1):c.746C>T (p.Ser249Phe)

Gene: NFKB1 (nuclear factor kappa B subunit 1; plus strand). Cytogenetic location: 4q24.
Variant type: single nucleotide variant.
Coding change: c.746C>T on transcript NM_003998.4 (MANE Select); coding-DNA position 746, C replaced by T.
Protein change: p.Ser249Phe; replaces serine 249 with phenylalanine.
Molecular consequence: missense variant.
Genome position (GRCh38, 1-based): chr4:102,580,550, C>T. VCF-style: chr4-102580550-C-T. GRCh37 (hg19) VCF-style: chr4-103501707-C-T.
Other names: c.743C>T, p.Ser248Phe (NM_001165412.2, NM_001319226.2, NM_001382627.1); c.746C>T, p.Ser249Phe (NM_001382625.1, NM_001382626.1); c.704C>T, p.Ser235Phe (NM_001382628.1); short protein forms S235F, S248F, S249F.
Identifiers: ClinVar variation 3369769 (VCV003369769.1).
Genomic context (GRCh38, chr4:102,580,550, plus strand): 5'-GCTGAGGATTAATCATGTTATTTGTTGTTTTTCCCCTGTGAACAGAAGCCCCCAATGCAT[C>T]CAACTTGAAAATTGTAAGAATGGACAGGACAGCTGGATGTGTGACTGGAGGGGAGGAAAT-3'
Protein context (NP_003989.2, residues 239-259): AIYDSKAPNA[Ser249Phe]NLKIVRMDRT